The following is an entry in ClinVar:

ClinVar aggregate classification (germline): Uncertain significance (1 of 4 stars; one submission).

gnomAD v4.1: 2 of 1,611,544 alleles (0.00012%); highest among the groups gnomAD compares: African/African-American, 0.0027%; no homozygotes.

Submission:

Dasa
Classification: Uncertain significance. Last evaluated: 2025-05-06. Review status: criteria provided, single submitter. Criteria: DASA Assertion Criteria. Collection method: clinical testing. Allele origin: germline.
Comment: NM_014967.5(FAN1):c.2749G>T (p.Val917Phe) is a missense variant that results in the substitution of valine with phenylalanine. This variant is rare in population databases. Computational prediction algorithms are consistent with a deleterious effect. The currently available literature and clinical evidence are not sufficient to establish a definitive association between this variant and the reported condition. Therefore, this variant is classified as a variant of uncertain significance.

NM_014967.5(FAN1):c.2749G>T (p.Val917Phe)

Genes: FAN1 (FANCD2 and FANCI associated nuclease 1; plus strand), MTMR10 (myotubularin related protein 10; minus strand). Cytogenetic location: 15q13.3.
Variant type: single nucleotide variant.
Coding change: c.2749G>T on transcript NM_014967.5 (MANE Select); coding-DNA position 2749, G replaced by T.
Protein change: p.Val917Phe; replaces valine 917 with phenylalanine.
Molecular consequence: missense variant.
Genome position (GRCh38, 1-based): chr15:30,929,359, G>T. VCF-style: chr15-30929359-G-T. GRCh37 (hg19) VCF-style: chr15-31221562-G-T.
Other names: short protein forms V917F.
Identifiers: ClinVar variation 5020959 (VCV005020959.1).